The following is an entry in ClinVar:

ClinVar aggregate classification (germline): Likely pathogenic (1 of 4 stars; one submission).

Conditions:
46,XY disorder of sex development due to testicular 17,20-desmolase deficiency. Also called: 46,XY SEX REVERSAL 8; MALE PSEUDOHERMAPHRODITISM DUE TO DEFICIENCY OF TESTICULAR 17,20-DESMOLASE; 46,XY SEX REVERSAL 8, MODIFIER OF. Identifiers: Orphanet 443087, MedGen C1839840, MONDO:0013664, OMIM 614279.

Submission:

First Genomix Gene Laboratory, Genetic Diagnostics Department
Classification: Likely pathogenic for 46,XY disorder of sex development due to testicular 17,20-desmolase deficiency. Last evaluated: 2025-09-17. Review status: criteria provided, single submitter. Criteria: ACMG Guidelines, 2015. Collection method: clinical testing. Allele origin: germline. Inheritance: Autosomal recessive inheritance. Affected: no. Observed: 1 variant allele.

NM_001393392.1(AKR1C2):c.286C>T (p.Arg96Ter)

Gene: AKR1C2 (aldo-keto reductase family 1 member C2; minus strand). Cytogenetic location: 10p15.1.
Variant type: single nucleotide variant.
Coding change: c.286C>T on transcript NM_001393392.1 (MANE Select); coding-DNA position 286, C replaced by T.
Protein change: p.Arg96Ter; replaces arginine 96 with a stop codon.
Molecular consequence: nonsense.
Genome position (GRCh38, 1-based): chr10:5,000,633, G>A on the plus strand (C>T on the coding strand, the complement: AKR1C2 is on the minus strand). VCF-style: chr10-5000633-G-A. GRCh37 (hg19) VCF-style: chr10-5042825-G-A.
Other names: c.286C>T, p.Arg96Ter (NM_001135241.3, NM_001321027.2, NM_001354.6 and 1 more transcripts); short protein forms R96*.
Identifiers: ClinVar variation 4850336 (VCV004850336.1).